The following is an entry in ClinVar:

ClinVar aggregate classification (germline): Uncertain significance (1 of 4 stars; one submission).

Submission:

Labcorp Genetics (formerly Invitae), Labcorp
Classification: Uncertain significance. Last evaluated: 2023-11-07. Review status: criteria provided, single submitter. Criteria: Invitae Variant Classification Sherloc (09022015). Collection method: clinical testing. Allele origin: germline.
Comment: This sequence change replaces isoleucine, which is neutral and non-polar, with asparagine, which is neutral and polar, at codon 382 of the GPR143 protein (p.Ile382Asn). This variant is not present in population databases (gnomAD no frequency). This variant has not been reported in the literature in individuals affected with GPR143-related conditions. An algorithm developed to predict the effect of missense changes on protein structure and function (PolyPhen-2) suggests that this variant is likely to be disruptive. In summary, the available evidence is currently insufficient to determine the role of this variant in disease. Therefore, it has been classified as a Variant of Uncertain Significance.

NM_000273.3(GPR143):c.1145T>A (p.Ile382Asn)

Gene: GPR143 (G protein-coupled receptor 143; minus strand). Cytogenetic location: Xp22.2.
Variant type: single nucleotide variant.
Coding change: c.1145T>A on transcript NM_000273.3 (MANE Select); coding-DNA position 1145, T replaced by A.
Protein change: p.Ile382Asn; replaces isoleucine 382 with asparagine.
Molecular consequence: missense variant.
Genome position (GRCh38, 1-based): chrX:9,725,816, A>T on the plus strand (T>A on the coding strand, the complement: GPR143 is on the minus strand). VCF-style: chrX-9725816-A-T. GRCh37 (hg19) VCF-style: chrX-9693856-A-T.
Other names: short protein forms I382N.
Identifiers: ClinVar variation 2757737 (VCV002757737.3), dbSNP rs2518611724, ClinGen allele CA411992439.
Genomic context (GRCh38, chrX:9,725,816, plus strand): 5'-CCATGGGTTGGGAGAGCAGGGTCACCCTCATTTTTGTTGCAGGATTCACTTGCAGTGTGA[A>T]TTTCAATTGTGCTGGCATCAGAACCTGGAGAGGAAAAGACAAAAGACTGACTGTGTCTGT-3'
Protein context (NP_000264.2, residues 372-392): SEGSDASTIE[Ile382Asn]HTASESCNKN